The following is an entry in ClinVar:

NM_002691.4(POLD1):c.1994G>A (p.Ser665Asn)

Gene: POLD1 (DNA polymerase delta 1, catalytic subunit; plus strand). Cytogenetic location: 19q13.33.
Variant type: single nucleotide variant.
Coding change: c.1994G>A on transcript NM_002691.4 (MANE Select); coding-DNA position 1994, G replaced by A.
Protein change: p.Ser665Asn; replaces serine 665 with asparagine.
Molecular consequence: missense variant. On other transcripts: non-coding transcript variant (1).
Genome position (GRCh38, 1-based): chr19:50,409,223, G>A. VCF-style: chr19-50409223-G-A. GRCh37 (hg19) VCF-style: chr19-50912480-G-A.
Other names: c.1994G>A, p.Ser665Asn (NM_001256849.1); c.2072G>A, p.Ser691Asn (NM_001308632.1); short protein forms S691N, S665N.
Identifiers: ClinVar variation 469232 (VCV000469232.24), dbSNP rs757053149, ClinGen allele CA9596339.
Genomic context (GRCh38, chr19:50,409,223, plus strand): 5'-AGTTTGTGAAGACCTCAGTGCGGAAGGGGCTGCTGCCCCAGATCCTGGAGAACCTGCTCA[G>A]TGCCCGGAAGAGGTGAGCCCTGGAGATCGCCTGCTTGGAGCTCAGACCTGTTGGGGCCTC-3'
Protein context (NP_002682.2, residues 655-675): LLPQILENLL[Ser665Asn]ARKRAKAELA

ClinVar aggregate classification (germline): Conflicting classifications of pathogenicity. Review status: criteria provided, conflicting classifications (1 of 4 stars). 2 submissions from 2 submitters: Uncertain significance (1); Likely benign (1). Last evaluated 2025-06-22.

Conditions:
POLD1-related polyposis and colorectal cancer syndrome (CRCS10). Also called: Colorectal cancer 10; COLORECTAL CANCER, SUSCEPTIBILITY TO, ON CHROMOSOME 19q; Colorectal cancer, susceptibility to, 10. Identifiers: Orphanet 220460, MedGen C2675481, MONDO:0012953, OMIM 612591.
Hereditary cancer-predisposing syndrome. Also called: Neoplastic Syndromes, Hereditary; Hereditary neoplastic syndrome; Tumor predisposition; Hereditary Cancer Syndrome. Identifiers: Orphanet 140162, MedGen C0027672, MeSH D009386, MONDO:0015356.

Allele frequency attached by ClinVar (database versions not stated): gnomAD exomes below 0.00001 and 0.00001; ExAC 0.00001; TOPMed 0.00001.
gnomAD v4.1: 3 of 1,608,706 alleles (0.00019%); highest among the groups gnomAD compares: Non-Finnish European, 0.00026%; no homozygotes.

Submissions (2):

Labcorp Genetics (formerly Invitae), Labcorp
Classification: Uncertain significance for POLD1-related polyposis and colorectal cancer syndrome. Last evaluated: 2025-06-22. Review status: criteria provided, single submitter. Criteria: Invitae Variant Classification Sherloc (09022015). Collection method: clinical testing. Allele origin: germline.
Comment: This sequence change replaces serine, which is neutral and polar, with asparagine, which is neutral and polar, at codon 665 of the POLD1 protein (p.Ser665Asn). The frequency data for this variant in the population databases is considered unreliable, as metrics indicate poor data quality at this position in the gnomAD database. This variant has not been reported in the literature in individuals affected with POLD1-related conditions. ClinVar contains an entry for this variant (Variation ID: 469232). Invitae Evidence Modeling of protein sequence and biophysical properties (such as structural, functional, and spatial information, amino acid conservation, physicochemical variation, residue mobility, and thermodynamic stability) indicates that this missense variant is not expected to disrupt POLD1 protein function with a negative predictive value of 80%. In summary, the available evidence is currently insufficient to determine the role of this variant in disease. Therefore, it has been classified as a Variant of Uncertain Significance.

Ambry Genetics
Classification: Likely benign for Hereditary cancer-predisposing syndrome. Last evaluated: 2024-03-28. Review status: criteria provided, single submitter. Criteria: Ambry Variant Classification Scheme 2023. Collection method: clinical testing. Allele origin: germline.